The following is an entry in ClinVar:

ClinVar aggregate classification (germline): Uncertain significance (1 of 4 stars; one submission).

Submission:

GeneDx
Classification: Uncertain significance. Last evaluated: 2024-02-23. Review status: criteria provided, single submitter. Criteria: GeneDx Variant Classification Process June 2021. Collection method: clinical testing. Allele origin: germline. Affected: yes.
Comment: Not observed at significant frequency in large population cohorts (gnomAD); In silico analysis supports that this missense variant has a deleterious effect on protein structure/function; Has not been previously published as pathogenic or benign to our knowledge

NM_001148.6(ANK2):c.622G>T (p.Ala208Ser)

Gene: ANK2 (ankyrin 2; plus strand). Cytogenetic location: 4q26.
Variant type: single nucleotide variant.
Coding change: c.622G>T on transcript NM_001148.6 (MANE Select); coding-DNA position 622, G replaced by T.
Protein change: p.Ala208Ser; replaces alanine 208 with serine.
Molecular consequence: missense variant.
Genome position (GRCh38, 1-based): chr4:113,237,125, G>T. VCF-style: chr4-113237125-G-T. GRCh37 (hg19) VCF-style: chr4-114158281-G-T.
Other names: c.559G>T, p.Ala187Ser (NM_001127493.3, NM_001354239.2, NM_001354243.2 and 33 more transcripts); c.622G>T, p.Ala208Ser (NM_001354225.2, NM_001354228.2, NM_001354232.2 and 9 more transcripts); c.667G>T, p.Ala223Ser (NM_001354230.2, NM_001354231.2, NM_001354237.2 and 5 more transcripts); c.604G>T, p.Ala202Ser (NM_001354261.2, NM_001386147.1, NM_001386160.1); c.610G>T, p.Ala204Ser (NM_001354269.3, NM_001386148.2, NM_001386186.2 and 1 more transcripts); c.673G>T, p.Ala225Ser (NM_001386174.1, NM_001386175.1); short protein forms A187S, A202S, A204S, A208S, A223S, A225S.
Identifiers: ClinVar variation 3369672 (VCV003369672.1).
Genomic context (GRCh38, chr4:113,237,125, plus strand): 5'-AAAGGGAAAGTGAGGCTGCCAGCTCTGCATATTGCCGCTAGGAAAGACGACACCAAATCT[G>T]CCGCACTTCTGCTTCAGAATGACCACAATGCTGACGTACAATCCAAGGTACTTAAAGCTG-3'
Protein context (NP_001139.3, residues 198-218): IAARKDDTKS[Ala208Ser]ALLLQNDHNA